The following is an entry in ClinVar:

ClinVar aggregate classification (germline): Uncertain significance (1 of 4 stars; one submission).

Submission:

Labcorp Genetics (formerly Invitae), Labcorp
Classification: Uncertain significance. Last evaluated: 2022-09-27. Review status: criteria provided, single submitter. Criteria: Invitae Variant Classification Sherloc (09022015). Collection method: clinical testing. Allele origin: germline.
Comment: This sequence change replaces isoleucine, which is neutral and non-polar, with phenylalanine, which is neutral and non-polar, at codon 184 of the GNAT2 protein (p.Ile184Phe). This variant is not present in population databases (gnomAD no frequency). This variant has not been reported in the literature in individuals affected with GNAT2-related conditions. ClinVar contains an entry for this variant (Variation ID: 1378665). Advanced modeling of protein sequence and biophysical properties (such as structural, functional, and spatial information, amino acid conservation, physicochemical variation, residue mobility, and thermodynamic stability) has been performed at Invitae for this missense variant, however the output from this modeling did not meet the statistical confidence thresholds required to predict the impact of this variant on GNAT2 protein function. In summary, the available evidence is currently insufficient to determine the role of this variant in disease. Therefore, it has been classified as a Variant of Uncertain Significance.

NM_001377295.2(GNAT2):c.550A>T (p.Ile184Phe)

Gene: GNAT2 (G protein subunit alpha transducin 2; minus strand). Cytogenetic location: 1p13.3.
Variant type: single nucleotide variant.
Coding change: c.550A>T on transcript NM_001377295.2 (MANE Select); coding-DNA position 550, A replaced by T.
Protein change: p.Ile184Phe; replaces isoleucine 184 with phenylalanine.
Molecular consequence: missense variant.
Genome position (GRCh38, 1-based): chr1:109,606,348, T>A on the plus strand (A>T on the coding strand, the complement: GNAT2 is on the minus strand). VCF-style: chr1-109606348-T-A. GRCh37 (hg19) VCF-style: chr1-110148970-T-A.
Other names: c.550A>T, p.Ile184Phe (NM_001379232.1, NM_005272.5); short protein forms I184F.
Identifiers: ClinVar variation 1378665 (VCV001378665.6), dbSNP rs201798524, ClinGen allele CA341538476.